The following is an entry in ClinVar:

ClinVar aggregate classification (germline): Uncertain significance. Review status: criteria provided, multiple submitters, no conflicts (2 of 4 stars). 6 submissions from 6 submitters: Uncertain significance (6). Last evaluated 2024-12-24.

Conditions:
Cardiomyopathy (CMYO). Also called: Cardiomyopathies. Identifiers: Orphanet 167848, MedGen C0878544, MONDO:0004994, HP:0001638. Inheritance: Various modes of inheritance.
Hypertrophic cardiomyopathy 10. Also called: CARDIOMYOPATHY, HYPERTROPHIC, MID-LEFT VENTRICULAR CHAMBER TYPE, 2; MYL2-Related Familial Hypertrophic Cardiomyopathy. Identifiers: MedGen C1834460, MONDO:0012112, OMIM 608758.
Cardiovascular phenotype. Identifiers: MedGen CN230736.
Hypertrophic cardiomyopathy. Also called: HYPERTROPHIC MYOCARDIOPATHY. Identifiers: Orphanet 217569, MedGen C0007194, MeSH D002312, MONDO:0005045, HP:0001639.

Allele frequency attached by ClinVar (database versions not stated): TOPMed 0.00001.
gnomAD v4.1: 7 of 1,613,842 alleles (0.00043%); highest among the groups gnomAD compares: Admixed American, 0.0017%; no homozygotes.

Submissions (6):

Labcorp Genetics (formerly Invitae), Labcorp
Classification: Uncertain significance for Hypertrophic cardiomyopathy 10. Last evaluated: 2024-12-24. Review status: criteria provided, single submitter. Criteria: Invitae Variant Classification Sherloc (09022015). Collection method: clinical testing. Allele origin: germline.
Comment: This sequence change replaces proline, which is neutral and non-polar, with serine, which is neutral and polar, at codon 144 of the MYL2 protein (p.Pro144Ser). This variant is present in population databases (no rsID available, gnomAD 0.003%). This variant has not been reported in the literature in individuals affected with MYL2-related conditions. ClinVar contains an entry for this variant (Variation ID: 919588). An algorithm developed to predict the effect of missense changes on protein structure and function (PolyPhen-2) suggests that this variant is likely to be disruptive. In summary, the available evidence is currently insufficient to determine the role of this variant in disease. Therefore, it has been classified as a Variant of Uncertain Significance.

Ambry Genetics
Classification: Uncertain significance for Cardiovascular phenotype. Last evaluated: 2024-12-20. Review status: criteria provided, single submitter. Criteria: Ambry Variant Classification Scheme 2023. Collection method: clinical testing. Allele origin: germline.
Comment: The p.P144S variant (also known as c.430C>T), located in coding exon 7 of the MYL2 gene, results from a C to T substitution at nucleotide position 430. The proline at codon 144 is replaced by serine, an amino acid with similar properties. This amino acid position is conserved. In addition, the in silico prediction for this alteration is inconclusive. Based on the available evidence, the clinical significance of this variant remains unclear.

Victorian Clinical Genetics Services, Murdoch Childrens Research Institute
Classification: Uncertain significance for Hypertrophic cardiomyopathy 10. Last evaluated: 2024-10-30. Review status: criteria provided, single submitter. Criteria: ACMG Guidelines, 2015. Collection method: clinical testing. Allele origin: germline. Affected: yes.
Comment: This variant is classified as VUS-3B. Evidence in support of pathogenic classification: Variant is present in gnomAD <0.01 (v4: 7 heterozygote(s), 0 homozygote(s)). Additional information: Variant is predicted to result in a missense amino acid change from proline to serine; This variant is heterozygous; This gene is associated with both recessive and dominant disease. Hypertrophic cardiomyopathy 10 (MIM#608758) is associated with autosomal dominant inheritance, and infantile-onset myofibrillar myopathy-12 with cardiomyopathy (MIM#619424) is associated with autosomal recessive inheritance (OMIM); Multiple alternative amino acid changes at the same position have been observed in gnomAD (v4; highest allele count: 36 heterozygote(s), 0 homozygote(s)); Previous evidence of pathogenicity for this variant is inconclusive. This variant has been classified as a VUS by multiple clinical laboratories (ClinVar); No published functional evidence has been identified for this variant; Other missense variant(s) comparable to the one identified in this case have inconclusive previous evidence for pathogenicity. Multiple alternative missense changes have been classified as VUS by clinical laboratories (ClinVar); Variant is not located in an established domain, motif, hotspot or informative constraint region; Missense variant with an inconclusive in silico prediction and high conservation; The mechanism of disease for this gene is not clearly established. However, loss of function is a suggested mechanism of autosomal recessive myopathy, myofibrillar, 12, infantile-onset, with cardiomyopathy (MIM#619424); Inheritance information for this variant is not currently available in this individual.

All of Us Research Program, National Institutes of Health
Classification: Uncertain significance for Hypertrophic cardiomyopathy. Last evaluated: 2023-11-20. Review status: criteria provided, single submitter. Criteria: ACMG Guidelines, 2015. Collection method: clinical testing. Allele origin: germline. Inheritance: Autosomal dominant inheritance. Observed: 2 variant alleles, 2 heterozygotes.
Comment: This missense variant replaces proline with serine at codon 144 of the MYL2 protein. Computational prediction is inconclusive regarding the impact of this variant on protein structure and function (internally defined REVEL score threshold 0.5 < inconclusive < 0.7, PMID: 27666373). Splice site prediction tools suggest that this variant may not impact RNA splicing. To our knowledge, functional studies have not been reported for this variant. This variant has not been reported in individuals affected with cardiovascular disorders in the literature. This variant has been identified in 1/248888 chromosomes in the general population by the Genome Aggregation Database (gnomAD). The available evidence is insufficient to determine the role of this variant in disease conclusively. Therefore, this variant is classified as a Variant of Uncertain Significance.

This study involves interpretation of variants in research participants for the purpose of population health screening. Participant phenotype was not available at the time of variant classification. Additional details can be found in publication PMID: 35346344, PMCID: PMC8962531

Color Diagnostics, LLC DBA Color Health
Classification: Uncertain significance for Cardiomyopathy. Last evaluated: 2023-09-20. Review status: criteria provided, single submitter. Criteria: ACMG Guidelines, 2015. Collection method: clinical testing. Allele origin: germline.
Comment: This missense variant replaces proline with serine at codon 144 of the MYL2 protein. Computational prediction is inconclusive regarding the impact of this variant on protein structure and function (internally defined REVEL score threshold 0.5 < inconclusive < 0.7, PMID: 27666373). To our knowledge, functional studies have not been reported for this variant. This variant has not been reported in individuals affected with MYL2-related disorders in the literature. This variant has been identified in 1/248888 chromosomes in the general population by the Genome Aggregation Database (gnomAD). The available evidence is insufficient to determine the role of this variant in disease conclusively. Therefore, this variant is classified as a Variant of Uncertain Significance.

GeneDx
Classification: Uncertain significance. Last evaluated: 2021-04-06. Review status: criteria provided, single submitter. Criteria: GeneDx Variant Classification Process June 2021. Collection method: clinical testing. Allele origin: germline. Affected: yes.
Comment: Not observed at a significant frequency in large population cohorts (Lek et al., 2016); In silico analysis supports that this missense variant does not alter protein structure/function; Has not been previously published as pathogenic or benign to our knowledge

NM_000432.4(MYL2):c.430C>T (p.Pro144Ser)

Gene: MYL2 (myosin light chain 2; minus strand). Cytogenetic location: 12q24.11.
Variant type: single nucleotide variant.
Coding change: c.430C>T on transcript NM_000432.4 (MANE Select); coding-DNA position 430, C replaced by T.
Protein change: p.Pro144Ser; replaces proline 144 with serine.
Molecular consequence: missense variant.
Genome position (GRCh38, 1-based): chr12:110,911,148, G>A on the plus strand (C>T on the coding strand, the complement: MYL2 is on the minus strand). VCF-style: chr12-110911148-G-A. GRCh37 (hg19) VCF-style: chr12-111348952-G-A.
Other names: short protein forms P144S.
Identifiers: ClinVar variation 919588 (VCV000919588.14), dbSNP rs777689913, ClinGen allele CA386696936.
Genomic context (GRCh38, chr12:110,911,148, plus strand): 5'-CTTCTCCGTGGGTGATGATGTGCACCAGGTTCTTGTAGTCCAAGTTGCCAGTCACGTCAG[G>A]GGGGAAGGCGGCGAACATCTGGTCAACCTGCAATGAGCCAGCAACACGTGCTAAGGACGA-3'
Protein context (NP_000423.2, residues 134-154): EVDQMFAAFP[Pro144Ser]DVTGNLDYKN